The following is an entry in ClinVar:

NM_001843.4(CNTN1):c.1711C>T (p.Arg571Ter)

Gene: CNTN1 (contactin 1; plus strand). Cytogenetic location: 12q12.
Variant type: single nucleotide variant.
Coding change: c.1711C>T on transcript NM_001843.4 (MANE Select); coding-DNA position 1711, C replaced by T.
Protein change: p.Arg571Ter; replaces arginine 571 with a stop codon.
Molecular consequence: nonsense.
Genome position (GRCh38, 1-based): chr12:40,959,141, C>T. VCF-style: chr12-40959141-C-T. GRCh37 (hg19) VCF-style: chr12-41352943-C-T.
Other names: c.1711C>T, p.Arg571Ter (NM_001256063.2, NM_001256064.2); c.1678C>T, p.Arg560Ter (NM_175038.2); short protein forms R560*, R571*.
Identifiers: ClinVar variation 2910519 (VCV002910519.3), dbSNP rs1174434961, ClinGen allele CA384425259.

ClinVar aggregate classification (germline): Pathogenic (1 of 4 stars; one submission).

Conditions:
Compton-North congenital myopathy (CMYO12). Identifiers: Orphanet 210163, MedGen C2675527, MONDO:0012929, OMIM 612540.

Allele frequency attached by ClinVar (database versions not stated): gnomAD exomes below 0.00001.
gnomAD v4.1: 6 of 1,612,466 alleles (0.00037%); highest among the groups gnomAD compares: African/African-American, 0.0027%; no homozygotes.

Submission:

Labcorp Genetics (formerly Invitae), Labcorp
Classification: Pathogenic for Compton-North congenital myopathy. Last evaluated: 2024-07-01. Review status: criteria provided, single submitter. Criteria: Invitae Variant Classification Sherloc (09022015). Collection method: clinical testing. Allele origin: germline.
Comment: This sequence change creates a premature translational stop signal (p.Arg571*) in the CNTN1 gene. It is expected to result in an absent or disrupted protein product. Loss-of-function variants in CNTN1 are known to be pathogenic (PMID: 19026398, 22242131). This variant is present in population databases (no rsID available, gnomAD no frequency). This variant has not been reported in the literature in individuals affected with CNTN1-related conditions. For these reasons, this variant has been classified as Pathogenic.

Literature cited by the submitters: PubMed 19026398; PubMed 22242131.